The following is an entry in ClinVar:

NM_000257.4(MYH7):c.2538G>A (p.Glu846=)

Genes: MYH7 (myosin heavy chain 7; minus strand), LOC126861898 (BRD4-independent group 4 enhancer GRCh37_chr14:23893609-23894808; plus strand). Cytogenetic location: 14q11.2.
Variant type: single nucleotide variant.
Coding change: c.2538G>A on transcript NM_000257.4 (MANE Select); coding-DNA position 2538, G replaced by A.
Protein change: p.Glu846=; no amino-acid change (glutamic acid 846 retained).
Molecular consequence: synonymous variant.
Genome position (GRCh38, 1-based): chr14:23,424,910, C>T on the plus strand (G>A on the coding strand, the complement: MYH7 is on the minus strand). VCF-style: chr14-23424910-C-T. GRCh37 (hg19) VCF-style: chr14-23894119-C-T.
Other names: c.2538G>A, p.Glu846= (NM_001407004.1).
Identifiers: ClinVar variation 2005154 (VCV002005154.5), dbSNP rs2502283812, ClinGen allele CA485767196.
Genomic context (GRCh38, chr14:23,424,910, plus strand): 5'-GGACTTCTCTAGCGCCTCTTTGAGGCGTGTGAACTCCTCCTTCATGGAGGCCATCTCCTT[C>T]TCTCTTTCTGCACTCTTCAGCAGCGGCTTGATCTTGAAGTAGAGCTTCATCCAGGGCCAA-3'
Protein context (NP_000248.2, residues 836-856): IKPLLKSAER[Glu846=]KEMASMKEEF

ClinVar aggregate classification (germline): Likely benign. Review status: criteria provided, multiple submitters, no conflicts (2 of 4 stars). 2 submissions from 2 submitters: Likely benign (2). Last evaluated 2024-10-18.

Conditions:
Hypertrophic cardiomyopathy. Also called: HYPERTROPHIC MYOCARDIOPATHY. Identifiers: Orphanet 217569, MedGen C0007194, MeSH D002312, MONDO:0005045, HP:0001639.
Cardiomyopathy (CMYO). Also called: Cardiomyopathies. Identifiers: Orphanet 167848, MedGen C0878544, MONDO:0004994, HP:0001638. Inheritance: Various modes of inheritance.

Submissions (2):

Labcorp Genetics (formerly Invitae), Labcorp
Classification: Likely benign for Hypertrophic cardiomyopathy. Last evaluated: 2024-10-18. Review status: criteria provided, single submitter. Criteria: Invitae Variant Classification Sherloc (09022015). Collection method: clinical testing. Allele origin: germline.

All of Us Research Program, National Institutes of Health
Classification: Likely benign for Cardiomyopathy. Last evaluated: 2023-05-30. Review status: criteria provided, single submitter. Criteria: ACMG Guidelines, 2015. Collection method: clinical testing. Allele origin: germline. Inheritance: Autosomal dominant inheritance. Observed: 2 variant alleles, 2 heterozygotes.
Comment: This study involves interpretation of variants in research participants for the purpose of population health screening. Participant phenotype was not available at the time of variant classification. Additional details can be found in publication PMID: 35346344, PMCID: PMC8962531